The following is an entry in ClinVar:

NM_144701.3(IL23R):c.653-10_653-5del

Gene: IL23R (interleukin 23 receptor; plus strand). Cytogenetic location: 1p31.3.
Variant type: Deletion.
Coding change: c.653-10_653-5del on transcript NM_144701.3 (MANE Select); 10 bases into the intron before coding-DNA position 653 through 5 bases into the intron before coding-DNA position 653, 6 bases deleted (TTTTTT; older notation c.653-10_653-5delTTTTTT).
Molecular consequence: intron variant.
Genome position (GRCh38, 1-based): chr1:67,206,900-67,206,905, TTTTTT deleted; deleting any 6 consecutive bases within chr1:67,206,885-67,206,905 gives the same sequence; the c. name uses the placement nearest the transcript's 3' end. VCF-style (leftmost placement, unchanged base first): chr1-67206884-CTTTTTT-C. GRCh37 (hg19) VCF-style: chr1-67672567-CTTTTTT-C.
Identifiers: ClinVar variation 3045957 (VCV003045957.3), dbSNP rs557919248, ClinGen allele CA23532438.
Genomic context (GRCh38, chr1:67,206,884, plus strand): 5'-TATCTAGATATTGACGAAAAGATGCCAGTTTCTCCCTAGGCAAGTTTTAAACAGCCAGGT[CTTTTTT>C]TTTTTTTTTTTTTTTCTAGTGATACCTTCTGCAGCCGTCATTTCCAGGGCTGAGACTATA-3'

ClinVar aggregate classification (germline): Likely benign. Review status: criteria provided, single submitter (1 of 4 stars). 2 submissions from 2 submitters: Likely benign (1). 1 of the submissions does not count toward it. Last evaluated 2024-10-18.

Conditions:
IL23R-related disorder. Also called: IL23R-related condition.

Submissions (2):

Blueprint Genetics
Classification: Likely benign. Last evaluated: 2024-10-18. Review status: criteria provided, single submitter. Criteria: ACMG Guidelines, 2015. Collection method: clinical testing. Allele origin: germline.

PreventionGenetics, part of Exact Sciences
Classification: Likely benign for IL23R-related condition. Last evaluated: 2023-05-17. Review status: no assertion criteria provided. Collection method: clinical testing. Allele origin: germline. Not counted in ClinVar's aggregate classification.
Comment: This variant is classified as likely benign based on ACMG/AMP sequence variant interpretation guidelines (Richards et al. 2015 PMID: 25741868, with internal and published modifications).